The following is an entry in ClinVar:

ClinVar aggregate classification (germline): Uncertain significance. Review status: criteria provided, multiple submitters, no conflicts (2 of 4 stars). 2 submissions from 2 submitters: Uncertain significance (2). Last evaluated 2026-03-11.

Conditions:
Dyskeratosis congenita. Identifiers: Orphanet 1775, MedGen C0265965, MONDO:0015780.

Allele frequency attached by ClinVar (database versions not stated): gnomAD exomes below 0.00001.
gnomAD v4.1: 2 of 1,614,166 alleles (0.00012%); highest among the groups gnomAD compares: East Asian, 0.0022%; no homozygotes.

Submissions (2):

GeneDx
Classification: Uncertain significance. Last evaluated: 2026-03-11. Review status: criteria provided, single submitter. Criteria: GeneDx Variant Classification Process June 2021. Collection method: clinical testing. Allele origin: germline.
Comment: Not observed at significant frequency in large population cohorts (gnomAD); In silico analysis suggests that this missense variant does not alter protein structure/function; Has not been previously published as pathogenic or benign to our knowledge

Labcorp Genetics (formerly Invitae), Labcorp
Classification: Uncertain significance for Dyskeratosis congenita. Last evaluated: 2022-10-05. Review status: criteria provided, single submitter. Criteria: Invitae Variant Classification Sherloc (09022015). Collection method: clinical testing. Allele origin: germline.
Comment: This variant has not been reported in the literature in individuals affected with TINF2-related conditions. In summary, the available evidence is currently insufficient to determine the role of this variant in disease. Therefore, it has been classified as a Variant of Uncertain Significance. Algorithms developed to predict the effect of missense changes on protein structure and function output the following: SIFT: "Tolerated"; PolyPhen-2: "Possibly Damaging"; Align-GVGD: "Class C0". The leucine amino acid residue is found in multiple mammalian species, which suggests that this missense change does not adversely affect protein function. This variant is not present in population databases (gnomAD no frequency). This sequence change replaces proline, which is neutral and non-polar, with leucine, which is neutral and non-polar, at codon 450 of the TINF2 protein (p.Pro450Leu).

NM_001099274.3(TINF2):c.1349C>T (p.Pro450Leu)

Gene: TINF2 (TERF1 interacting nuclear factor 2; minus strand). Cytogenetic location: 14q12.
Variant type: single nucleotide variant.
Coding change: c.1349C>T on transcript NM_001099274.3 (MANE Select); coding-DNA position 1349, C replaced by T.
Protein change: p.Pro450Leu; replaces proline 450 with leucine.
Molecular consequence: missense variant. On other transcripts: 3 prime UTR variant (1).
Genome position (GRCh38, 1-based): chr14:24,239,804, G>A on the plus strand (C>T on the coding strand, the complement: TINF2 is on the minus strand). VCF-style: chr14-24239804-G-A. GRCh37 (hg19) VCF-style: chr14-24709010-G-A.
Other names: c.1349C>T (NM_001099274.1); c.1244C>T, p.Pro415Leu (NM_001363668.2); c.*611C>T (NM_012461.3); short protein forms P450L, P415L.
Identifiers: ClinVar variation 1948320 (VCV001948320.6), dbSNP rs2502447310, ClinGen allele CA389219269.